The following is an entry in ClinVar:

NM_000553.6(WRN):c.3398C>T (p.Ser1133Leu)

Gene: WRN (WRN RecQ like helicase; plus strand). Cytogenetic location: 8p12.
Variant type: single nucleotide variant.
Coding change: c.3398C>T on transcript NM_000553.6 (MANE Select); coding-DNA position 3398, C replaced by T.
Protein change: p.Ser1133Leu; replaces serine 1133 with leucine.
Molecular consequence: missense variant.
Genome position (GRCh38, 1-based): chr8:31,147,067, C>T. VCF-style: chr8-31147067-C-T. GRCh37 (hg19) VCF-style: chr8-31004583-C-T.
Other names: short protein forms S1133L.
Identifiers: ClinVar variation 843129 (VCV000843129.6), dbSNP rs1802883306, ClinGen allele CA370925216.

ClinVar aggregate classification (germline): Uncertain significance (1 of 4 stars; one submission).

Conditions:
Werner syndrome (WRN). Identifiers: Orphanet 902, MedGen C0043119, MONDO:0010196, OMIM 277700.

Submission:

Labcorp Genetics (formerly Invitae), Labcorp
Classification: Uncertain significance for Werner syndrome. Last evaluated: 2023-09-13. Review status: criteria provided, single submitter. Criteria: Invitae Variant Classification Sherloc (09022015). Collection method: clinical testing. Allele origin: germline.
Comment: In summary, the available evidence is currently insufficient to determine the role of this variant in disease. Therefore, it has been classified as a Variant of Uncertain Significance. Algorithms developed to predict the effect of missense changes on protein structure and function output the following: SIFT: "Not Available"; PolyPhen-2: "Benign"; Align-GVGD: "Not Available". The leucine amino acid residue is found in multiple mammalian species, which suggests that this missense change does not adversely affect protein function. ClinVar contains an entry for this variant (Variation ID: 843129). This variant has not been reported in the literature in individuals affected with WRN-related conditions. This variant is not present in population databases (gnomAD no frequency). This sequence change replaces serine, which is neutral and polar, with leucine, which is neutral and non-polar, at codon 1133 of the WRN protein (p.Ser1133Leu).